The following is an entry in ClinVar:

ClinVar aggregate classification (germline): Likely benign (1 of 4 stars; one submission).

Conditions:
Frank-Ter Haar syndrome. Also called: BORRONE DERMATOCARDIOSKELETAL SYNDROME; TER HAAR SYNDROME; MELNICK-NEEDLES SYNDROME, AUTOSOMAL RECESSIVE; Borrone di Rocco Crovato syndrome. Identifiers: Orphanet 1266, Orphanet 137834, MedGen C1855305, MONDO:0009579, OMIM 249420.

Allele frequency attached by ClinVar (database versions not stated): 1000 Genomes Project 30x 0.00047; 1000 Genomes Project 0.00060; TOPMed 0.00153; gnomAD 0.00165 and 0.00172; gnomAD exomes 0.00291.
gnomAD v4.1: 2,632 of 985,590 alleles (0.27%); highest among the groups gnomAD compares: Non-Finnish European, 0.3%; 3 homozygotes.

Submission:

Illumina Laboratory Services, Illumina
Classification: Likely benign for Frank-Ter Haar syndrome. Last evaluated: 2018-01-13. Review status: criteria provided, single submitter. Criteria: ICSL Variant Classification Criteria 13 December 2019. Collection method: clinical testing. Allele origin: germline.
Comment: This variant was observed in the ICSL laboratory as part of a predisposition screen in an ostensibly healthy population. It had not been previously curated by ICSL or reported in the Human Gene Mutation Database (HGMD: prior to June 1st, 2018), and was therefore a candidate for classification through an automated scoring system. Utilizing variant allele frequency, disease prevalence and penetrance estimates, and inheritance mode, an automated score was calculated to assess if this variant is too frequent to cause the disease. Based on the score and internal cut-off values, a variant classified as likely benign is not then subjected to further curation. The score for this variant resulted in a classification of likely benign for this disease.

NM_001017995.3(SH3PXD2B):c.*789T>A

Gene: SH3PXD2B (SH3 and PX domains 2B; minus strand). Cytogenetic location: 5q35.1.
Variant type: single nucleotide variant.
Coding change: c.*789T>A on transcript NM_001017995.3 (MANE Select); 789 bases downstream of the stop codon, T replaced by A.
Molecular consequence: 3 prime UTR variant. On other transcripts: intron variant (1).
Genome position (GRCh38, 1-based): chr5:172,337,580, A>T on the plus strand (T>A on the coding strand, the complement: SH3PXD2B is on the minus strand). VCF-style: chr5-172337580-A-T. GRCh37 (hg19) VCF-style: chr5-171764584-A-T.
Other names: c.1188+8556T>A (NM_001308175.2).
Identifiers: ClinVar variation 352784 (VCV000352784.5), dbSNP rs150961242, ClinGen allele CA10621302.
Genomic context (GRCh38, chr5:172,337,580, plus strand): 5'-AGGGCACGACTTGTGAATGGGCCTCTTATTCAAACAAACTTTGAGATTCTTGCTTTAGGT[A>T]GGCAAAAATGAAATGCTCCAAGTTGGGGTGGGAACTCTCATTGAAAAGCCCTGGAGGGAC-3'